The following is an entry in ClinVar:

ClinVar aggregate classification (germline): Uncertain significance. Review status: criteria provided, single submitter (1 of 4 stars). 2 submissions from 2 submitters: Uncertain significance (1). 1 of the submissions does not count toward it. Last evaluated 2025-03-31.

Conditions:
Autosomal recessive osteopetrosis 1. Also called: TCIRG1-Related Autosomal Recessive Osteopetrosis; TCIRG1-Related Osteopetrosis; ALBERS-SCHONBERG DISEASE, AUTOSOMAL RECESSIVE. Identifiers: Orphanet 667, MedGen C1850127, MONDO:0009815, OMIM 259700.

Submissions (2):

Labcorp Genetics (formerly Invitae), Labcorp
Classification: Uncertain significance. Last evaluated: 2025-03-31. Review status: criteria provided, single submitter. Criteria: Invitae Variant Classification Sherloc (09022015). Collection method: clinical testing. Allele origin: germline.
Comment: This variant, c.2274_2279dup, results in the insertion of 2 amino acid(s) of the TCIRG1 protein (p.Leu762_Gly763dup), but otherwise preserves the integrity of the reading frame. This variant is present in population databases (rs761752296, gnomAD 0.0009%). This variant has not been reported in the literature in individuals affected with TCIRG1-related conditions. ClinVar contains an entry for this variant (Variation ID: 557523). In summary, the available evidence is currently insufficient to determine the role of this variant in disease. Therefore, it has been classified as a Variant of Uncertain Significance.

Counsyl
Classification: Uncertain significance for Autosomal recessive osteopetrosis 1. Last evaluated: 2018-03-28. Review status: no assertion criteria provided. Collection method: clinical testing. Allele origin: unknown. Not counted in ClinVar's aggregate classification.

NM_006019.4(TCIRG1):c.2274_2279dup (p.760LG[3])

Gene: TCIRG1 (T cell immune regulator 1, ATPase H+ transporting V0 subunit a3; plus strand). Cytogenetic location: 11q13.2.
Variant type: Duplication.
Coding change: c.2274_2279dup on transcript NM_006019.4 (MANE Select); coding-DNA positions 2274 to 2279, 6 bases duplicated (AGGCCT; older notation c.2274_2279dupAGGCCT).
Protein change: p.760LG[3].
Molecular consequence: inframe insertion.
Genome position (GRCh38, 1-based): chr11:68,050,524-68,050,529, AGGCCT duplicated; duplicating any 6 consecutive bases within chr11:68,050,523-68,050,529 gives the same sequence; the c. name uses the placement nearest the transcript's 3' end. VCF-style (leftmost placement, unchanged base first): chr11-68050522-A-ATAGGCC. GRCh37 (hg19) VCF-style: chr11-67817989-A-ATAGGCC.
Other names: c.1380_1385dup, p.462LG[3] (NM_001351059.2); c.1626_1631dup, p.544LG[3] (NM_006053.4).
Identifiers: ClinVar variation 557523 (VCV000557523.3), dbSNP rs761752296, ClinGen allele CA6147478.
Genomic context (GRCh38, chr11:68,050,522, plus strand): 5'-CCCCCACTGTCTCCTTTGCTTGCAGAGCTGTCCGAGGTTCTGTGGGCCATGGTGATGCGC[A>ATAGGCC]TAGGCCTGGGCCTGGGCCGGGAGGTGGGCGTGGCGGCTGTGGTGCTGGTCCCCATCTTTG-3'